The following is an entry in ClinVar:

ClinVar aggregate classification (germline): Conflicting classifications of pathogenicity. Review status: criteria provided, conflicting classifications (1 of 4 stars). 5 submissions from 5 submitters: Uncertain significance (4); Benign (1). Last evaluated 2025-11-13.

Conditions:
Dilated cardiomyopathy 1AA (CMD1AA). Also called: CARDIOMYOPATHY, DILATED, 1AA, WITH OR WITHOUT LEFT VENTRICULAR NONCOMPACTION; CARDIOMYOPATHY, FAMILIAL HYPERTROPHIC, 23, WITH OR WITHOUT LEFT VENTRICULAR NONCOMPACTION; Cardiomyopathy, dilated, 1AA, with or without LVNC. Identifiers: Orphanet 154, MedGen C2677338, MONDO:0012808, OMIM 612158.
Myopathy, congenital, with structured cores and z-line abnormalities. Also called: CONGENITAL MYOPATHY 8; MULTIPLE STRUCTURED CORE DISEASE. Identifiers: MedGen C5231445, MONDO:0032852, OMIM 618654.
Myopathy, distal, 6, adult-onset, autosomal dominant. Identifiers: MedGen C5203349, MONDO:0032853, OMIM 618655.
Cardiovascular phenotype. Identifiers: MedGen CN230736.
Primary familial hypertrophic cardiomyopathy (HCM). Identifiers: Orphanet 99739, MedGen C0949658, MeSH D024741, MONDO:0024573. Inheritance: Various modes of inheritance.

Allele frequency attached by ClinVar (database versions not stated): gnomAD 0.00001; gnomAD exomes 0.00001 and 0.00003; ExAC 0.00002; TOPMed 0.00005.
gnomAD v4.1: 23 of 1,614,016 alleles (0.0014%); highest among the groups gnomAD compares: Admixed American, 0.015%; no homozygotes.

Submissions (5):

Labcorp Genetics (formerly Invitae), Labcorp
Classification: Benign for Primary familial hypertrophic cardiomyopathy; Dilated cardiomyopathy 1AA. Last evaluated: 2025-11-13. Review status: criteria provided, single submitter. Criteria: Invitae Variant Classification Sherloc (09022015). Collection method: clinical testing. Allele origin: germline.

Ambry Genetics
Classification: Uncertain significance for Cardiovascular phenotype. Last evaluated: 2024-06-23. Review status: criteria provided, single submitter. Criteria: Ambry Variant Classification Scheme 2023. Collection method: clinical testing. Allele origin: germline.
Comment: The p.R353Q variant (also known as c.1058G>A), located in coding exon 10 of the ACTN2 gene, results from a G to A substitution at nucleotide position 1058. The arginine at codon 353 is replaced by glutamine, an amino acid with highly similar properties. This amino acid position is highly conserved in available vertebrate species. In addition, this alteration is predicted to be deleterious by in silico analysis. Since supporting evidence is limited at this time, the clinical significance of this alteration remains unclear.

Blueprint Genetics
Classification: Uncertain significance. Last evaluated: 2023-12-20. Review status: criteria provided, single submitter. Criteria: ACMG Guidelines, 2015. Collection method: clinical testing. Allele origin: germline.

Fulgent Genetics
Classification: Uncertain significance for Dilated cardiomyopathy 1AA; Myopathy, congenital, with structured cores and z-line abnormalities; Myopathy, distal, 6, adult-onset, autosomal dominant. Last evaluated: 2021-11-02. Review status: criteria provided, single submitter. Criteria: ACMG Guidelines, 2015. Collection method: clinical testing. Allele origin: unknown.

GeneDx
Classification: Uncertain significance. Last evaluated: 2019-03-21. Review status: criteria provided, single submitter. Criteria: GeneDx Variant Classification Process June 2021. Collection method: clinical testing. Allele origin: germline. Affected: yes.
Comment: Has not been previously published as pathogenic or benign to our knowledge; Reported in ClinVar but additional evidence is not available (ClinVar Variant ID# 520348; Landrum et al., 2016); In silico analysis, which includes protein predictors and evolutionary conservation, supports a deleterious effect

NM_001103.4(ACTN2):c.1058G>A (p.Arg353Gln)

Gene: ACTN2 (actinin alpha 2; plus strand). Cytogenetic location: 1q43.
Variant type: single nucleotide variant.
Coding change: c.1058G>A on transcript NM_001103.4 (MANE Select); coding-DNA position 1058, G replaced by A.
Protein change: p.Arg353Gln; replaces arginine 353 with glutamine.
Molecular consequence: missense variant.
Genome position (GRCh38, 1-based): chr1:236,739,483, G>A. VCF-style: chr1-236739483-G-A. GRCh37 (hg19) VCF-style: chr1-236902783-G-A.
Other names: c.1058G>A, p.Arg353Gln (NM_001278343.2); c.434G>A, p.Arg145Gln (NM_001278344.2); short protein forms R353Q, R145Q.
Identifiers: ClinVar variation 520348 (VCV000520348.20), dbSNP rs780552939, ClinGen allele CA1473033.